The following is an entry in ClinVar:

ClinVar aggregate classification (germline): Pathogenic (1 of 4 stars; one submission).

Submission:

Labcorp Genetics (formerly Invitae), Labcorp
Classification: Pathogenic. Last evaluated: 2023-03-15. Review status: criteria provided, single submitter. Criteria: Invitae Variant Classification Sherloc (09022015). Collection method: clinical testing. Allele origin: germline.
Comment: For these reasons, this variant has been classified as Pathogenic. This variant has not been reported in the literature in individuals affected with AP3B2-related conditions. This variant is not present in population databases (gnomAD no frequency). This sequence change creates a premature translational stop signal (p.Cys664Valfs*19) in the AP3B2 gene. It is expected to result in an absent or disrupted protein product. Loss-of-function variants in AP3B2 are known to be pathogenic (PMID: 27889060).

Literature cited by the submitters: PubMed 27889060.

NM_001278512.2(AP3B2):c.2046dup (p.Cys683fs)

Genes: AP3B2 (adaptor related protein complex 3 subunit beta 2; minus strand), CPEB1-AS1 (CPEB1 antisense RNA 1; plus strand). Cytogenetic location: 15q25.2.
Variant type: Duplication.
Coding change: c.2046dup on transcript NM_001278512.2 (MANE Select); coding-DNA position 2046, one base duplicated (G; older notation c.2046dupG).
Protein change: p.Cys683fs; shifts the reading frame from cysteine 683.
Molecular consequence: frameshift variant.
Genome position (GRCh38, 1-based): chr15:82,664,926, C duplicated on the plus strand (G on the coding strand, the reverse complement: AP3B2 is on the minus strand). VCF-style (leftmost placement, unchanged base first): chr15-82664925-A-AC. GRCh37 (hg19) VCF-style: chr15-83333677-A-AC.
Other names: c.1893dup, p.Cys632fs (NM_001278511.2); c.1989dup, p.Cys664fs (NM_004644.5); short protein forms C683fs, C632fs, C664fs.
Identifiers: ClinVar variation 2815541 (VCV002815541.3), dbSNP rs2548698032, ClinGen allele CA2739269621.